The following is an entry in ClinVar:

NM_000038.6(APC):c.6855T>C (p.Val2285=)

Gene: APC (APC regulator of Wnt signaling pathway; plus strand). Cytogenetic location: 5q22.2.
Variant type: single nucleotide variant.
Coding change: c.6855T>C on transcript NM_000038.6 (MANE Select); coding-DNA position 6855, T replaced by C.
Protein change: p.Val2285=; no amino-acid change (valine 2285 retained).
Molecular consequence: synonymous variant.
Genome position (GRCh38, 1-based): chr5:112,842,449, T>C. VCF-style: chr5-112842449-T-C. GRCh37 (hg19) VCF-style: chr5-112178146-T-C.
Other names: c.6855T>C, p.Val2285= (NM_001127510.3, NM_001354895.2); c.6801T>C, p.Val2267= (NM_001127511.3); c.6909T>C, p.Val2303= (NM_001354896.2); c.6885T>C, p.Val2295= (NM_001354897.2); c.6780T>C, p.Val2260= (NM_001354898.2); c.6771T>C, p.Val2257= (NM_001354899.2); c.6732T>C, p.Val2244= (NM_001354900.2); c.6678T>C, p.Val2226= (NM_001354901.2); and 5 more.
Identifiers: ClinVar variation 392581 (VCV000392581.20), dbSNP rs1057524550, ClinGen allele CA16605189.

ClinVar aggregate classification (germline): Benign/Likely benign. Review status: criteria provided, multiple submitters, no conflicts (2 of 4 stars). 5 submissions from 5 submitters: Benign (1); Likely benign (4). Last evaluated 2025-09-05.

Conditions:
Hereditary cancer-predisposing syndrome. Also called: Neoplastic Syndromes, Hereditary; Hereditary Cancer Syndrome; Tumor predisposition; Hereditary neoplastic syndrome. Identifiers: Orphanet 140162, MedGen C0027672, MeSH D009386, MONDO:0015356.
Classic or attenuated familial adenomatous polyposis. Identifiers: MedGen CN372698, MONDO:0021057.
Familial adenomatous polyposis 1 (FAP1). Also called: FAMILIAL ADENOMATOUS POLYPOSIS 1, ATTENUATED; POLYPOSIS, ADENOMATOUS INTESTINAL. Identifiers: MedGen C2713442, MONDO:0021056, OMIM 175100. Disease mechanism: loss of function.

Allele frequency attached by ClinVar (database versions not stated): gnomAD exomes below 0.00001.
gnomAD v4.1: 1 of 1,614,070 alleles (0.000062%); highest among the groups gnomAD compares: Admixed American, 0.0017%; no homozygotes.

Submissions (5):

Labcorp Genetics (formerly Invitae), Labcorp
Classification: Likely benign for Familial adenomatous polyposis 1. Last evaluated: 2025-09-05. Review status: criteria provided, single submitter. Criteria: Invitae Variant Classification Sherloc (09022015). Collection method: clinical testing. Allele origin: germline.

All of Us Research Program, National Institutes of Health
Classification: Likely benign for Classic or attenuated familial adenomatous polyposis. Last evaluated: 2024-06-17. Review status: criteria provided, single submitter. Criteria: ACMG Guidelines, 2015. Collection method: clinical testing. Allele origin: germline. Inheritance: Autosomal dominant inheritance. Observed: 1 variant allele, 1 heterozygote.
Comment: This study involves interpretation of variants in research participants for the purpose of population health screening. Participant phenotype was not available at the time of variant classification. Additional details can be found in publication PMID: 35346344, PMCID: PMC8962531

Myriad Genetics, Inc.
Classification: Benign for Familial adenomatous polyposis 1. Last evaluated: 2024-04-05. Review status: criteria provided, single submitter. Criteria: Myriad Autosomal Dominant, Autosomal Recessive and X-Linked Classification Criteria (2023). Collection method: clinical testing. Allele origin: unknown.
Comment: This variant is considered benign. This variant is a silent/synonymous amino acid change and it is not expected to impact splicing.

GeneDx
Classification: Likely benign. Last evaluated: 2020-02-16. Review status: criteria provided, single submitter. Criteria: GeneDx Variant Classification Process June 2021. Collection method: clinical testing. Allele origin: germline. Affected: yes.

Ambry Genetics
Classification: Likely benign for Hereditary cancer-predisposing syndrome. Last evaluated: 2019-02-23. Review status: criteria provided, single submitter. Criteria: Ambry Variant Classification Scheme 2023. Collection method: clinical testing. Allele origin: germline.